The following is an entry in ClinVar:

NM_020822.3(KCNT1):c.304A>G (p.Lys102Glu)

Gene: KCNT1 (potassium sodium-activated channel subfamily T member 1; plus strand). Cytogenetic location: 9q34.3.
Variant type: single nucleotide variant.
Coding change: c.304A>G on transcript NM_020822.3 (MANE Select); coding-DNA position 304, A replaced by G.
Protein change: p.Lys102Glu; replaces lysine 102 with glutamic acid.
Molecular consequence: missense variant.
Genome position (GRCh38, 1-based): chr9:135,750,147, A>G. VCF-style: chr9-135750147-A-G. GRCh37 (hg19) VCF-style: chr9-138641993-A-G.
Other names: c.160A>G, p.Lys54Glu (NM_001272003.2); short protein forms K54E, K102E.
Identifiers: ClinVar variation 2932662 (VCV002932662.3), dbSNP rs1179052822, ClinGen allele CA375494795.

ClinVar aggregate classification (germline): Uncertain significance (1 of 4 stars; one submission).

Conditions:
Autosomal dominant nocturnal frontal lobe epilepsy 5. Also called: Epilepsy, nocturnal frontal lobe, 5; CILIARY DYSKINESIA, PRIMARY, 28, WITHOUT SITUS INVERSUS; CILIARY DYSKINESIA, PRIMARY, 28, WITH SITUS INVERSUS; KCNT1-Related Epilepsy. Identifiers: Orphanet 98784, MedGen C3554306, MONDO:0014002, OMIM 615005.
Developmental and epileptic encephalopathy, 14 (DEE14). Also called: Early infantile epileptic encephalopathy 14. Identifiers: Orphanet 293181, MedGen C3554195, MONDO:0013989, OMIM 614959.

Allele frequency attached by ClinVar (database versions not stated): TOPMed below 0.00001; gnomAD 0.00001; gnomAD exomes 0.00001.
gnomAD v4.1: 4 of 1,613,562 alleles (0.00025%); highest among the groups gnomAD compares: Non-Finnish European, 0.00034%; no homozygotes.

Submission:

Labcorp Genetics (formerly Invitae), Labcorp
Classification: Uncertain significance for Autosomal dominant nocturnal frontal lobe epilepsy 5; Developmental and epileptic encephalopathy, 14. Last evaluated: 2024-06-04. Review status: criteria provided, single submitter. Criteria: Invitae Variant Classification Sherloc (09022015). Collection method: clinical testing. Allele origin: germline.
Comment: This sequence change replaces lysine, which is basic and polar, with glutamic acid, which is acidic and polar, at codon 102 of the KCNT1 protein (p.Lys102Glu). This variant is present in population databases (no rsID available, gnomAD 0.002%). This variant has not been reported in the literature in individuals affected with KCNT1-related conditions. Advanced modeling of protein sequence and biophysical properties (such as structural, functional, and spatial information, amino acid conservation, physicochemical variation, residue mobility, and thermodynamic stability) performed at Invitae indicates that this missense variant is not expected to disrupt KCNT1 protein function with a negative predictive value of 80%. In summary, the available evidence is currently insufficient to determine the role of this variant in disease. Therefore, it has been classified as a Variant of Uncertain Significance.